The following is an entry in ClinVar:

NM_018129.4(PNPO):c.322C>T (p.Arg108Cys)

Gene: PNPO (pyridoxamine 5'-phosphate oxidase; plus strand). Cytogenetic location: 17q21.32.
Variant type: single nucleotide variant.
Coding change: c.322C>T on transcript NM_018129.4 (MANE Select); coding-DNA position 322, C replaced by T.
Protein change: p.Arg108Cys; replaces arginine 108 with cysteine.
Molecular consequence: missense variant.
Genome position (GRCh38, 1-based): chr17:47,944,674, C>T. VCF-style: chr17-47944674-C-T. GRCh37 (hg19) VCF-style: chr17-46022040-C-T.
Other names: p.Arg108Cys; short protein forms R108C.
Identifiers: ClinVar variation 429963 (VCV000429963.17), dbSNP rs746311862, ClinGen allele CA8629147.

ClinVar aggregate classification (germline): Uncertain significance. Review status: criteria provided, multiple submitters, no conflicts (2 of 4 stars). 6 submissions from 6 submitters: Uncertain significance (6). Last evaluated 2026-08-16.

Conditions:
Pyridoxal phosphate-responsive seizures (PNPOD). Also called: Pyridoxal 5'-Phosphate (PLP)-Dependent Epilepsy; Pyridoxamine 5-Prime-Phosphate Oxidase Deficiency; Pyridoxine-5'-phosphate oxidase deficiency; SEIZURES, PYRIDOXINE-RESISTANT, PLP-SENSITIVE; EPILEPTIC ENCEPHALOPATHY, NEONATAL, PNPO-RELATED. Identifiers: Orphanet 79096, MedGen C1864723, MONDO:0012407, OMIM 610090. Disease mechanism: loss of function.

Allele frequency attached by ClinVar (database versions not stated): gnomAD exomes 0.00008 and 0.00011; ExAC 0.00010; gnomAD 0.00009 and 0.00008; TOPMed 0.00013.

Submissions (6):

GeneDx
Classification: Uncertain significance. Last evaluated: 2026-08-16. Review status: criteria provided, single submitter. Criteria: GeneDx Variant Classification Process June 2021. Collection method: clinical testing. Allele origin: germline.
Comment: In silico analysis supports that this missense variant has a deleterious effect on protein structure/function; Has not been previously published as pathogenic or benign to our knowledge

Mayo Clinic Laboratories, Mayo Clinic
Classification: Uncertain significance. Last evaluated: 2025-11-02. Review status: criteria provided, single submitter. Criteria: ACMG Guidelines, 2015. Collection method: clinical testing. Allele origin: germline. Observed: 1 variant allele.
Comment: PM2_supporting

Labcorp Genetics (formerly Invitae), Labcorp
Classification: Uncertain significance for Pyridoxal phosphate-responsive seizures. Last evaluated: 2022-08-23. Review status: criteria provided, single submitter. Criteria: Invitae Variant Classification Sherloc (09022015). Collection method: clinical testing. Allele origin: germline.
Comment: This sequence change replaces arginine, which is basic and polar, with cysteine, which is neutral and slightly polar, at codon 108 of the PNPO protein (p.Arg108Cys). This variant is present in population databases (rs746311862, gnomAD 0.04%). This variant has not been reported in the literature in individuals affected with PNPO-related conditions. ClinVar contains an entry for this variant (Variation ID: 429963). Algorithms developed to predict the effect of missense changes on protein structure and function are either unavailable or do not agree on the potential impact of this missense change (SIFT: "Deleterious"; PolyPhen-2: "Benign"; Align-GVGD: "Class C15"). In summary, the available evidence is currently insufficient to determine the role of this variant in disease. Therefore, it has been classified as a Variant of Uncertain Significance.

Department of Pathology and Laboratory Medicine, Sinai Health System
Classification: Uncertain significance for Pyridoxal phosphate-responsive seizures. Last evaluated: 2021-08-11. Review status: criteria provided, single submitter. Criteria: ACMG Guidelines, 2015. Collection method: research. Allele origin: germline.

Athena Diagnostics
Classification: Uncertain significance. Last evaluated: 2020-01-21. Review status: criteria provided, single submitter. Criteria: Athena Diagnostics Criteria. Collection method: clinical testing. Allele origin: unknown.

New York Genome Center
Classification: Uncertain significance for Pyridoxal phosphate-responsive seizures. Last evaluated: 2019-11-14. Review status: criteria provided, single submitter. Criteria: NYGC Assertion Criteria 2020. Collection method: clinical testing. Allele origin: germline. Observed: 1 heterozygote. Study: CSER-NYCKidSeq.